The following is an entry in ClinVar:

NM_001323289.2(CDKL5):c.-162-2A>G

Gene: CDKL5 (cyclin dependent kinase like 5; plus strand). Cytogenetic location: Xp22.13.
Variant type: single nucleotide variant.
Coding change: c.-162-2A>G on transcript NM_001323289.2 (MANE Select); the canonical splice acceptor site of the intron before 162 bases upstream of the start codon, A replaced by G.
Molecular consequence: splice acceptor variant.
Genome position (GRCh38, 1-based): chrX:18,506,933, A>G. VCF-style: chrX-18506933-A-G. GRCh37 (hg19) VCF-style: chrX-18525053-A-G.
Other names: c.-162-2A>G (NM_003159.3, NM_001037343.2).
Identifiers: ClinVar variation 189565 (VCV000189565.5), dbSNP rs786204973, ClinGen allele CA199382.
Genomic context (GRCh38, chrX:18,506,933, plus strand): 5'-TTGGTTACTAGAGTACTGCAAATATAAAACTTACAGCTTTTAATTGTGTTTGTTTTTTTC[A>G]GGGAGTCATTTAATACTTCATGATTAGAACAAATATGTGAAAGTTCCCACCAACCAGTGA-3'

ClinVar aggregate classification (germline): Pathogenic/Likely pathogenic. Review status: criteria provided, multiple submitters, no conflicts (2 of 4 stars). 3 submissions from 3 submitters: Pathogenic (1); Likely pathogenic (1). 1 of the submissions does not count toward it. Last evaluated 2024-09-20.

Conditions:
CDKL5 disorder. Identifiers: MedGen CN296942, MONDO:0100039.
Developmental and epileptic encephalopathy, 2 (DEE2). Also called: INFANTILE SPASM SYNDROME, X-LINKED 2; CDKL5 deficiency disorder. Identifiers: Orphanet 1934, Orphanet 3451, Orphanet 505652, MedGen C4750718, MONDO:0010396, OMIM 300672.

Submissions (3):

Centre for Population Genomics, CPG
Classification: Likely pathogenic for CDKL5 disorder. Last evaluated: 2024-09-20. Review status: criteria provided, single submitter. Criteria: McKnight et al. (Hum Mutat. 2022). Collection method: curation. Allele origin: germline. Inheritance: X-linked inheritance.
Comment: This variant has been collected from RettBASE and curated to current modified ACMG/AMP criteria. Based on the classification scheme defined by the ClinGen Rett/Angelman-like Expert Panel for Rett/AS-like Disorders Specifications to the ACMG/AMP Variant Interpretation Guidelines VCEP 3.0, this variant is classified as likely pathogenic. At least the following criteria are met: This variant has been identified as a de novo occurrence in an individual with CDKL5 disorder without confirmation of paternity and maternity (PM6, PMID: 19793311). Well-established in vitro or in vivo functional studies strongly supportive of a damaging effect on the protein function (PS3). This variant is absent from gnomAD (PM2_Supporting).

GeneDx
Classification: Pathogenic. Last evaluated: 2021-11-08. Review status: criteria provided, single submitter. Criteria: GeneDx Variant Classification Process June 2021. Collection method: clinical testing. Allele origin: germline. Affected: yes.
Comment: Observed in hemizygous state in a patient with seizures in the literature (Dimassi et al., 2015); Canonical splice site variant predicted to result in a null allele in a gene for which loss-of-function is a known mechanism of disease; Not observed in large population cohorts; however, limited data are available (Lek et al., 2016); This variant is associated with the following publications: (PMID: 29264392, 25525159, 22670135, 22779007, 27054081, 19793311)

RettBASE
Classification: Pathogenic for Epileptic encephalopathy, early infantile, 2. Last evaluated: 2014-03-13. Review status: no assertion criteria provided. Collection method: curation. Allele origin: de novo. Affected: yes. Observed: 1 variant allele. Not counted in ClinVar's aggregate classification.
Comment: Splice site mutation causing skipping of exon 2 (loss of AUG codon)

Literature cited by the submitters: PubMed 19793311 (cited by Centre for Population Genomics, CPG and RettBASE).